The following is an entry in ClinVar:

NC_000009.11:g.(?_214977)_(442029_?)dup

Genes: DOCK8 (dedicator of cytokinesis 8; plus strand), DOCK8-AS1 (DOCK8 antisense RNA 1; minus strand). Cytogenetic location: 9p24.3.
Variant type: Duplication.
Identifiers: ClinVar variation 3245215 (VCV003245215.1).

ClinVar aggregate classification (germline): Uncertain significance (1 of 4 stars; one submission).

Submission:

Labcorp Genetics (formerly Invitae), Labcorp
Classification: Uncertain significance. Last evaluated: 2023-05-26. Review status: criteria provided, single submitter. Criteria: Invitae Variant Classification Sherloc (09022015). Collection method: clinical testing. Allele origin: unknown.
Comment: In summary, the available evidence is currently insufficient to determine the role of this variant in disease. Therefore, it has been classified as a Variant of Uncertain Significance. Experimental studies and prediction algorithms are not available or were not evaluated, and the functional significance of this variant is currently unknown. This variant has not been reported in the literature in individuals affected with DOCK8-related conditions. This variant results in a copy number gain of the genomic region encompassing exon(s) 1-42 of the DOCK8 gene. This region includes the initiator codon of the gene. This copy number gain extends beyond the assayed region for this gene and therefore may encompass additional genes. As the precise location of this event is unknown, it may be in tandem or it may be located elsewhere in the genome.